The following is an entry in ClinVar:

ClinVar aggregate classification (germline): Conflicting classifications of pathogenicity. Review status: criteria provided, conflicting classifications (1 of 4 stars). 3 submissions from 3 submitters: Uncertain significance (1); Likely benign (2). Last evaluated 2025-04-29.

Conditions:
Inborn genetic diseases. Identifiers: MedGen C0950123, MeSH D030342.

Allele frequency attached by ClinVar (database versions not stated): gnomAD exomes 0.00002; gnomAD 0.00003; TOPMed 0.00005; ExAC 0.00006.
gnomAD v4.1: 36 of 1,613,980 alleles (0.0022%); highest among the groups gnomAD compares: East Asian, 0.042%; no homozygotes.

Submissions (3):

Labcorp Genetics (formerly Invitae), Labcorp
Classification: Likely benign. Last evaluated: 2025-04-29. Review status: criteria provided, single submitter. Criteria: Invitae Variant Classification Sherloc (09022015). Collection method: clinical testing. Allele origin: germline.

Ambry Genetics
Classification: Likely benign for Inborn genetic diseases. Last evaluated: 2024-08-21. Review status: criteria provided, single submitter. Criteria: Ambry Variant Classification Scheme 2023. Collection method: clinical testing. Allele origin: germline.

GeneDx
Classification: Uncertain significance. Last evaluated: 2024-07-30. Review status: criteria provided, single submitter. Criteria: GeneDx Variant Classification Process June 2021. Collection method: clinical testing. Allele origin: germline. Affected: yes.
Comment: In silico analysis indicates that this variant does not alter splicing; This variant is associated with the following publications: (PMID: 33057194, 35982159)

NM_001987.5(ETV6):c.81C>T (p.Tyr27=)

Gene: ETV6 (ETS variant transcription factor 6; plus strand). Cytogenetic location: 12p13.2.
Variant type: single nucleotide variant.
Coding change: c.81C>T on transcript NM_001987.5 (MANE Select); coding-DNA position 81, C replaced by T.
Protein change: p.Tyr27=; no amino-acid change (tyrosine 27 retained).
Molecular consequence: synonymous variant. On other transcripts: intron variant (1).
Genome position (GRCh38, 1-based): chr12:11,752,497, C>T. VCF-style: chr12-11752497-C-T. GRCh37 (hg19) VCF-style: chr12-11905431-C-T.
Other names: c.78C>T, p.Tyr26= (NM_001413913.1); c.54C>T, p.Tyr18= (NM_001413914.1); c.81C>T, p.Tyr27= (NM_001413916.1, NM_001413917.1, NM_001413918.1); c.-101-86643C>T (NM_001413915.1).
Identifiers: ClinVar variation 1950268 (VCV001950268.7), dbSNP rs765354372, ClinGen allele CA6454107.